The following is an entry in ClinVar:

ClinVar aggregate classification (germline): Uncertain significance. Review status: criteria provided, single submitter (1 of 4 stars). 2 submissions from 2 submitters: Uncertain significance (1). 1 of the submissions does not count toward it. Last evaluated 2026-07-06.

Conditions:
Hereditary cancer-predisposing syndrome. Also called: Tumor predisposition; Hereditary Cancer Syndrome; Hereditary neoplastic syndrome; Neoplastic Syndromes, Hereditary. Identifiers: Orphanet 140162, MedGen C0027672, MeSH D009386, MONDO:0015356.
TSC2-related disorder. Also called: TSC2-related condition; TSC2-Related Disorders.

gnomAD v4.1: 4 of 1,613,200 alleles (0.00025%); highest among the groups gnomAD compares: Non-Finnish European, 0.00034%; no homozygotes.

Submissions (2):

Ambry Genetics
Classification: Uncertain significance for Hereditary cancer-predisposing syndrome. Last evaluated: 2026-07-06. Review status: criteria provided, single submitter. Criteria: Ambry Variant Classification Scheme 2023. Collection method: clinical testing. Allele origin: germline.
Comment: The p.S872F variant (also known as c.2615C>T), located in coding exon 22 of the TSC2 gene, results from a C to T substitution at nucleotide position 2615. The serine at codon 872 is replaced by phenylalanine, an amino acid with highly dissimilar properties. This amino acid position is conserved. In addition, this alteration is predicted to be deleterious by in silico analysis. Based on the available evidence, the clinical significance of this variant remains unclear.

PreventionGenetics, part of Exact Sciences
Classification: Uncertain significance for TSC2-related condition. Last evaluated: 2024-08-28. Review status: no assertion criteria provided. Collection method: clinical testing. Allele origin: germline. Not counted in ClinVar's aggregate classification.
Comment: The TSC2 c.2615C>T variant is predicted to result in the amino acid substitution p.Ser872Phe. To our knowledge, this variant has not been reported in the literature. This variant is reported in 0.00088% of alleles in individuals of European (Non-Finnish) descent in gnomAD and has not been reported in ClinVar. At this time, the clinical significance of this variant is uncertain due to the absence of conclusive functional and genetic evidence.

NM_000548.5(TSC2):c.2615C>T (p.Ser872Phe)

Gene: TSC2 (TSC complex subunit 2; plus strand). Cytogenetic location: 16p13.3.
Variant type: single nucleotide variant.
Coding change: c.2615C>T on transcript NM_000548.5 (MANE Select); coding-DNA position 2615, C replaced by T.
Protein change: p.Ser872Phe; replaces serine 872 with phenylalanine.
Molecular consequence: missense variant. On other transcripts: non-coding transcript variant (5).
Genome position (GRCh38, 1-based): chr16:2,075,868, C>T. VCF-style: chr16-2075868-C-T. GRCh37 (hg19) VCF-style: chr16-2125869-C-T.
Other names: c.2615C>T, p.Ser872Phe (NM_001077183.3, NM_001114382.3, NM_021055.3 and 6 more transcripts); c.2504C>T, p.Ser835Phe (NM_001318827.2, NM_001406678.1, NM_001406670.1); c.2468C>T, p.Ser823Phe (NM_001318829.2, NM_001406675.1, NM_001406676.1 and 1 more transcripts); c.2015C>T, p.Ser672Phe (NM_001318831.2, NM_001406680.1, NM_001406682.1 and 6 more transcripts); c.2603C>T, p.Ser868Phe (NM_001406671.1, NM_001406673.1); c.2558C>T, p.Ser853Phe (NM_001406677.1); c.2153C>T, p.Ser718Phe (NM_001406681.1); c.1271C>T, p.Ser424Phe (NM_001406692.1, NM_001406693.1, NM_001406694.1 and 6 more transcripts); and 3 more; short protein forms S338F, S424F, S672F, S718F, S823F, S835F, S853F, S868F.
Identifiers: ClinVar variation 3346462 (VCV003346462.2).